The following is an entry in ClinVar:

NM_003922.4(HERC1):c.12686C>T (p.Ser4229Leu)

Gene: HERC1 (HECT and RLD domain containing E3 ubiquitin protein ligase family member 1; minus strand). Cytogenetic location: 15q22.31.
Variant type: single nucleotide variant.
Coding change: c.12686C>T on transcript NM_003922.4 (MANE Select); coding-DNA position 12686, C replaced by T.
Protein change: p.Ser4229Leu; replaces serine 4229 with leucine.
Molecular consequence: missense variant.
Genome position (GRCh38, 1-based): chr15:63,633,855, G>A on the plus strand (C>T on the coding strand, the complement: HERC1 is on the minus strand). VCF-style: chr15-63633855-G-A. GRCh37 (hg19) VCF-style: chr15-63926054-G-A.
Other names: short protein forms S4229L.
Identifiers: ClinVar variation 1217956 (VCV001217956.9), dbSNP rs199683306, ClinGen allele CA7603947.

ClinVar aggregate classification (germline): Uncertain significance. Review status: criteria provided, multiple submitters, no conflicts (2 of 4 stars). 3 submissions from 3 submitters: Uncertain significance (3). Last evaluated 2025-01-14.

Conditions:
Inborn genetic diseases. Identifiers: MedGen C0950123, MeSH D030342.

Allele frequency attached by ClinVar (database versions not stated): 1000 Genomes Project 30x 0.00016; ESP Exome Variant Server 0.00017; gnomAD exomes 0.00020 and 0.00025; TOPMed 0.00021; ExAC 0.00023; gnomAD 0.00025 and 0.00026.
gnomAD v4.1: 401 of 1,612,988 alleles (0.025%); highest among the groups gnomAD compares: Non-Finnish European, 0.03%; no homozygotes.

Submissions (3):

GeneDx
Classification: Uncertain significance. Last evaluated: 2025-01-14. Review status: criteria provided, single submitter. Criteria: GeneDx Variant Classification Process June 2021. Collection method: clinical testing. Allele origin: germline. Affected: yes.
Comment: Has not been previously published in an individual with HERC1-related disease as pathogenic or benign to our knowledge; In silico analysis indicates that this missense variant does not alter protein structure/function; This variant is associated with the following publications: (PMID: 30032850)

Labcorp Genetics (formerly Invitae), Labcorp
Classification: Uncertain significance. Last evaluated: 2024-09-26. Review status: criteria provided, single submitter. Criteria: Invitae Variant Classification Sherloc (09022015). Collection method: clinical testing. Allele origin: germline.
Comment: This sequence change replaces serine, which is neutral and polar, with leucine, which is neutral and non-polar, at codon 4229 of the HERC1 protein (p.Ser4229Leu). This variant is present in population databases (rs199683306, gnomAD 0.03%). This variant has not been reported in the literature in individuals affected with HERC1-related conditions. ClinVar contains an entry for this variant (Variation ID: 1217956). Invitae Evidence Modeling of protein sequence and biophysical properties (such as structural, functional, and spatial information, amino acid conservation, physicochemical variation, residue mobility, and thermodynamic stability) indicates that this missense variant is not expected to disrupt HERC1 protein function with a negative predictive value of 80%. In summary, the available evidence is currently insufficient to determine the role of this variant in disease. Therefore, it has been classified as a Variant of Uncertain Significance.

Ambry Genetics
Classification: Uncertain significance for Inborn genetic diseases. Last evaluated: 2022-02-22. Review status: criteria provided, single submitter. Criteria: Ambry Variant Classification Scheme 2023. Collection method: clinical testing. Allele origin: germline.